The following is an entry in ClinVar:

NM_000069.3(CACNA1S):c.965C>T (p.Ser322Phe)

Gene: CACNA1S (calcium voltage-gated channel subunit alpha1 S; minus strand). Cytogenetic location: 1q32.1.
Variant type: single nucleotide variant.
Coding change: c.965C>T on transcript NM_000069.3 (MANE Select); coding-DNA position 965, C replaced by T.
Protein change: p.Ser322Phe; replaces serine 322 with phenylalanine.
Molecular consequence: missense variant.
Genome position (GRCh38, 1-based): chr1:201,087,865, G>A on the plus strand (C>T on the coding strand, the complement: CACNA1S is on the minus strand). VCF-style: chr1-201087865-G-A. GRCh37 (hg19) VCF-style: chr1-201056993-G-A.
Other names: short protein forms S322F.
Identifiers: ClinVar variation 4757170 (VCV004757170.1).

ClinVar aggregate classification (germline): Uncertain significance (1 of 4 stars; one submission).

Conditions:
Malignant hyperthermia, susceptibility to, 5 (MHS5). Also called: CACNA1S-Related Malignant Hyperthermia Susceptibility. Identifiers: Orphanet 423, MedGen C1866077, MONDO:0011163, OMIM 601887.

Submission:

Color Diagnostics, LLC DBA Color Health
Classification: Uncertain significance for Malignant hyperthermia, susceptibility to, 5. Last evaluated: 2025-06-29. Review status: criteria provided, single submitter. Criteria: ACMG Guidelines, 2015. Collection method: clinical testing. Allele origin: germline.
Comment: This missense variant replaces serine with phenylalanine at codon 322 of the CACNA1S protein. Computational prediction suggests that this variant may have deleterious impact on protein structure and function. To our knowledge, functional studies have not been reported for this variant. This variant has not been reported in individuals affected with CACNA1S-related disorders in the literature. This variant has not been identified in the general population by the Genome Aggregation Database (gnomAD). The available evidence is insufficient to determine the role of this variant in disease conclusively. Therefore, this variant is classified as a Variant of Uncertain Significance.